The following is an entry in ClinVar:

ClinVar aggregate classification (germline): Uncertain significance. Review status: criteria provided, multiple submitters, no conflicts (2 of 4 stars). 2 submissions from 2 submitters: Uncertain significance (2). Last evaluated 2022-07-06.

Conditions:
Angelman syndrome (AS). Also called: HAPPY PUPPET SYNDROME. Identifiers: Orphanet 72, MedGen C0162635, MONDO:0007113, OMIM 105830. Disease mechanism: loss of function. Inheritance: imprinting disorder, AS is caused by disruption of maternally imprinted UBE3A located within the 15q11.2-q13 Angelman syndrome/Prader-Willi syndrome (AS/PWS) region..

Allele frequency attached by ClinVar (database versions not stated): gnomAD exomes 0.00001.

Submissions (2):

Labcorp Genetics (formerly Invitae), Labcorp
Classification: Uncertain significance for Angelman syndrome. Last evaluated: 2022-07-06. Review status: criteria provided, single submitter. Criteria: Invitae Variant Classification Sherloc (09022015). Collection method: clinical testing. Allele origin: germline.
Comment: In summary, the available evidence is currently insufficient to determine the role of this variant in disease. Therefore, it has been classified as a Variant of Uncertain Significance. Algorithms developed to predict the effect of missense changes on protein structure and function are either unavailable or do not agree on the potential impact of this missense change (SIFT: "Not Available"; PolyPhen-2: "Benign"; Align-GVGD: "Not Available"). ClinVar contains an entry for this variant (Variation ID: 855495). This variant has not been reported in the literature in individuals affected with UBE3A-related conditions. This variant is present in population databases (no rsID available, gnomAD 0.006%). This sequence change replaces lysine, which is basic and polar, with arginine, which is basic and polar, at codon 503 of the UBE3A protein (p.Lys503Arg).

GeneDx
Classification: Uncertain significance. Last evaluated: 2022-06-08. Review status: criteria provided, single submitter. Criteria: GeneDx Variant Classification Process June 2021. Collection method: clinical testing. Allele origin: germline. Affected: yes.
Comment: Not observed at significant frequency in large population cohorts (gnomAD); In silico analysis supports that this missense variant does not alter protein structure/function; Has not been previously published as pathogenic or benign to our knowledge

NM_130839.5(UBE3A):c.1568A>G (p.Lys523Arg)

Genes: SNHG14 (small nucleolar RNA host gene 14; plus strand), UBE3A (ubiquitin protein ligase E3A; minus strand). Cytogenetic location: 15q11.2.
Variant type: single nucleotide variant.
Coding change: c.1568A>G on transcript NM_130839.5 (MANE Select); coding-DNA position 1568, A replaced by G.
Protein change: p.Lys523Arg; replaces lysine 523 with arginine.
Molecular consequence: missense variant. On other transcripts: non-coding transcript variant (1), intron variant (2).
Genome position (GRCh38, 1-based): chr15:25,370,606, T>C on the plus strand (A>G on the coding strand, the complement: UBE3A is on the minus strand). VCF-style: chr15-25370606-T-C. GRCh37 (hg19) VCF-style: chr15-25615753-T-C.
Other names: c.1577A>G, p.Lys526Arg (NM_000462.5); c.1568A>G, p.Lys523Arg (NM_001354505.1, NM_001354538.2, NM_001354545.2); c.1508A>G, p.Lys503Arg (NM_001354506.2, NM_001354507.2, NM_001354508.2 and 17 more transcripts); c.1391A>G, p.Lys464Arg (NM_001354546.2); c.301+4859A>G (NM_001354551.2); c.361+4859A>G (NM_001354550.2); short protein forms K503R, K523R, K464R, K526R.
Identifiers: ClinVar variation 855495 (VCV000855495.10), dbSNP rs1384754256, ClinGen allele CA391353292.